The following is an entry in ClinVar:

ClinVar aggregate classification (germline): Pathogenic. Review status: criteria provided, multiple submitters, no conflicts (2 of 4 stars). 4 submissions from 4 submitters: Pathogenic (3). 1 of the submissions does not count toward it. Last evaluated 2025-06-12.

Conditions:
Gastric cancer. Also called: Stomach cancer; Malignant tumor of stomach. Identifiers: MedGen C0024623, MeSH D013274, MONDO:0001056, OMIM 613659, HP:0012126.
Hereditary cancer-predisposing syndrome. Also called: Neoplastic Syndromes, Hereditary; Tumor predisposition; Hereditary neoplastic syndrome; Hereditary Cancer Syndrome. Identifiers: Orphanet 140162, MedGen C0027672, MeSH D009386, MONDO:0015356.
Familial adenomatous polyposis 1 (FAP1). Also called: FAMILIAL ADENOMATOUS POLYPOSIS 1, ATTENUATED; POLYPOSIS, ADENOMATOUS INTESTINAL. Identifiers: MedGen C2713442, MONDO:0021056, OMIM 175100. Disease mechanism: loss of function.

Allele frequency attached by ClinVar (database versions not stated): TOPMed below 0.00001.

Submissions (4):

Ambry Genetics
Classification: Pathogenic for Hereditary cancer-predisposing syndrome. Last evaluated: 2025-06-12. Review status: criteria provided, single submitter. Criteria: Ambry Variant Classification Scheme 2023. Collection method: clinical testing. Allele origin: germline.
Comment: The p.Q1067* pathogenic mutation (also known as c.3199C>T), located in coding exon 15 of the APC gene, results from a C to T substitution at nucleotide position 3199. This changes the amino acid from a glutamine to a stop codon within coding exon 15. This alteration occurs at the 3' terminus of theAPC gene, is not expected to trigger nonsense-mediated mRNA decay, and impacts the last 62% of the protein. However, premature stop codons are typically deleterious in nature, and a significant portion of the protein is affected (Ambry internal data). This alteration has been reported in several patients affected with familial adenomatous polyposis (Giarola M et al. Hum. Mutat., 1999;13:116-23; Lagarde A et al. J. Med. Genet., 2010 Oct;47:721-2; Martin-Morales L et al. PLoS ONE, 2018 Sep;13:e0203885). This variant is considered to be rare based on population cohorts in the Genome Aggregation Database (gnomAD). Based on the supporting evidence, this variant is interpreted as a disease-causing mutation.

Labcorp Genetics (formerly Invitae), Labcorp
Classification: Pathogenic for Familial adenomatous polyposis 1. Last evaluated: 2023-10-16. Review status: criteria provided, single submitter. Criteria: Invitae Variant Classification Sherloc (09022015). Collection method: clinical testing. Allele origin: germline.
Comment: This sequence change creates a premature translational stop signal (p.Gln1067*) in the APC gene. While this is not anticipated to result in nonsense mediated decay, it is expected to disrupt the last 1777 amino acid(s) of the APC protein. This variant is not present in population databases (gnomAD no frequency). This premature translational stop signal has been observed in individual(s) with familial adenomatous polyposis (FAP) (PMID: 10094547, 20685668). ClinVar contains an entry for this variant (Variation ID: 803). This variant is expected to disrupt the EB1 and HDLG binding sites, which mediate interactions with the cytoskeleton (PMID: 15311282, 17293347). While functional studies have not been performed to directly test the effect on APC protein function, this suggests that disruption of the C-terminal portion of the protein is functionally important. A different truncation (p.Tyr2645Lysfs*14) that lies downstream of this variant has been determined to be pathogenic (PMID: 9824584, 1316610, 27081525, 8381579, 22135120, Invitae). This suggests that deletion of this region of the APC protein is causative of disease. For these reasons, this variant has been classified as Pathogenic.

Myriad Genetics, Inc.
Classification: Pathogenic for Familial adenomatous polyposis 1. Last evaluated: 2023-05-08. Review status: criteria provided, single submitter. Criteria: Myriad Autosomal Dominant, Autosomal Recessive and X-Linked Classification Criteria (2023). Collection method: clinical testing. Allele origin: unknown.
Comment: This variant is considered pathogenic. This variant creates a termination codon and is predicted to result in premature protein truncation.

OMIM
Classification: Pathogenic for GASTRIC CANCER, SOMATIC. Last evaluated: 1992-06-01. Review status: no assertion criteria provided. Collection method: literature only. Allele origin: somatic. Not counted in ClinVar's aggregate classification.

Literature cited by the submitters: PubMed 10094547 (cited by Ambry Genetics and Labcorp Genetics (formerly Invitae), Labcorp); PubMed 20685668 (cited by Ambry Genetics and Labcorp Genetics (formerly Invitae), Labcorp); PubMed 30256826 (cited by Ambry Genetics); PubMed 15311282 (cited by Labcorp Genetics (formerly Invitae), Labcorp); PubMed 17293347 (cited by Labcorp Genetics (formerly Invitae), Labcorp); PubMed 9824584 (cited by Labcorp Genetics (formerly Invitae), Labcorp); PubMed 1316610 (cited by Labcorp Genetics (formerly Invitae), Labcorp); PubMed 27081525 (cited by Labcorp Genetics (formerly Invitae), Labcorp); PubMed 8381579 (cited by Labcorp Genetics (formerly Invitae), Labcorp); PubMed 22135120 (cited by Labcorp Genetics (formerly Invitae), Labcorp); PubMed 1317264 (cited by OMIM).

NM_000038.6(APC):c.3199C>T (p.Gln1067Ter)

Gene: APC (APC regulator of Wnt signaling pathway; plus strand). Cytogenetic location: 5q22.2.
Variant type: single nucleotide variant.
Coding change: c.3199C>T on transcript NM_000038.6 (MANE Select); coding-DNA position 3199, C replaced by T.
Protein change: p.Gln1067Ter; replaces glutamine 1067 with a stop codon.
Molecular consequence: nonsense.
Genome position (GRCh38, 1-based): chr5:112,838,793, C>T. VCF-style: chr5-112838793-C-T. GRCh37 (hg19) VCF-style: chr5-112174490-C-T.
Other names: c.3199C>T, p.Gln1067Ter (NM_001127510.3, NM_001354895.2); c.3145C>T, p.Gln1049Ter (NM_001127511.3); c.3253C>T, p.Gln1085Ter (NM_001354896.2); c.3229C>T, p.Gln1077Ter (NM_001354897.2); c.3124C>T, p.Gln1042Ter (NM_001354898.2); c.3115C>T, p.Gln1039Ter (NM_001354899.2); c.3076C>T, p.Gln1026Ter (NM_001354900.2); c.3022C>T, p.Gln1008Ter (NM_001354901.2); and 5 more; short protein forms Q1067*, Q1049*, Q1026*, Q1039*, Q784*, Q907*, Q1042*, Q1077*.
Identifiers: ClinVar variation 803 (VCV000000803.17), dbSNP rs137854571, ClinGen allele CA008153.